The following is an entry in ClinVar:

ClinVar aggregate classification (germline): Uncertain significance. Review status: criteria provided, multiple submitters, no conflicts (2 of 4 stars). 3 submissions from 3 submitters: Uncertain significance (3). Last evaluated 2025-05-13.

Conditions:
Inborn genetic diseases. Identifiers: MedGen C0950123, MeSH D030342.

Allele frequency attached by ClinVar (database versions not stated): ExAC 0.00002; ESP Exome Variant Server 0.00008.
gnomAD v4.1: 35 of 1,613,892 alleles (0.0022%); highest among the groups gnomAD compares: Middle Eastern, 0.016%; no homozygotes.

Submissions (3):

Labcorp Genetics (formerly Invitae), Labcorp
Classification: Uncertain significance. Last evaluated: 2025-05-13. Review status: criteria provided, single submitter. Criteria: Invitae Variant Classification Sherloc (09022015). Collection method: clinical testing. Allele origin: germline.
Comment: This sequence change replaces arginine, which is basic and polar, with histidine, which is basic and polar, at codon 283 of the GNB3 protein (p.Arg283His). This variant is present in population databases (rs373892759, gnomAD 0.007%). This variant has not been reported in the literature in individuals affected with GNB3-related conditions. ClinVar contains an entry for this variant (Variation ID: 1388086). Invitae Evidence Modeling of protein sequence and biophysical properties (such as structural, functional, and spatial information, amino acid conservation, physicochemical variation, residue mobility, and thermodynamic stability) indicates that this missense variant is expected to disrupt GNB3 protein function with a positive predictive value of 80%. In summary, the available evidence is currently insufficient to determine the role of this variant in disease. Therefore, it has been classified as a Variant of Uncertain Significance.

Ambry Genetics
Classification: Uncertain significance for Inborn genetic diseases. Last evaluated: 2024-05-30. Review status: criteria provided, single submitter. Criteria: Ambry Variant Classification Scheme 2023. Collection method: clinical testing. Allele origin: germline.

Blueprint Genetics
Classification: Uncertain significance. Last evaluated: 2021-12-14. Review status: criteria provided, single submitter. Criteria: ACMG Guidelines, 2015. Collection method: clinical testing. Allele origin: germline.

NM_002075.4(GNB3):c.848G>A (p.Arg283His)

Genes: CDCA3 (cell division cycle associated 3; minus strand), GNB3 (G protein subunit beta 3; plus strand). Cytogenetic location: 12p13.31.
Variant type: single nucleotide variant.
Coding change: c.848G>A on transcript NM_002075.4 (MANE Select); coding-DNA position 848, G replaced by A.
Protein change: p.Arg283His; replaces arginine 283 with histidine.
Molecular consequence: missense variant. On other transcripts: 3 prime UTR variant (1).
Genome position (GRCh38, 1-based): chr12:6,845,734, G>A. VCF-style: chr12-6845734-G-A. GRCh37 (hg19) VCF-style: chr12-6954898-G-A.
Other names: c.845G>A, p.Arg282His (NM_001297571.2); c.*1054C>T (NM_001297603.3); short protein forms R282H, R283H.
Identifiers: ClinVar variation 1388086 (VCV001388086.10), dbSNP rs373892759, ClinGen allele CA6417681.